The following is an entry in ClinVar:

ClinVar aggregate classification (germline): Likely pathogenic (0 of 4 stars; one submission).

Conditions:
MMP21-related disorder. Also called: MMP21-related condition.

Submission:

PreventionGenetics, part of Exact Sciences
Classification: Likely pathogenic for MMP21-related condition. Last evaluated: 2023-12-18. Review status: no assertion criteria provided. Collection method: clinical testing. Allele origin: germline.
Comment: The MMP21 c.401delC variant is predicted to result in a frameshift and premature protein termination (p.Pro134Argfs*43). To our knowledge, this variant has not been reported in the literature or in a large population database, indicating this variant is rare. Frameshift variants in MMP21 are expected to be pathogenic. This variant is interpreted as likely pathogenic.

NM_147191.1(MMP21):c.401del (p.Pro134fs)

Gene: MMP21 (matrix metallopeptidase 21; minus strand). Cytogenetic location: 10q26.2.
Variant type: Deletion.
Coding change: c.401del on transcript NM_147191.1 (MANE Select); coding-DNA position 401, one base deleted (C; older notation c.401delC).
Protein change: p.Pro134fs; shifts the reading frame from proline 134.
Molecular consequence: frameshift variant.
Genome position (GRCh38, 1-based): chr10:125,774,127, G deleted on the plus strand (C on the coding strand, the reverse complement: MMP21 is on the minus strand); the first of 5 consecutive G bases (chr10:125,774,127-125,774,131); deleting any one gives the same sequence. VCF-style (leftmost placement, unchanged base first): chr10-125774126-CG-C. GRCh37 (hg19) VCF-style: chr10-127462695-CG-C.
Other names: c.401delC (NM_147191.1); short protein forms P134fs.
Identifiers: ClinVar variation 3054546 (VCV003054546.2), dbSNP rs2493743195, ClinGen allele CA2574723845.